The following is an entry in ClinVar:

NM_005618.4(DLL1):c.1943A>T (p.Lys648Met)

Genes: DLL1 (delta like canonical Notch ligand 1; minus strand), LOC126859913 (P300/CBP strongly-dependent group 1 enhancer GRCh37_chr6:170591232-170592431; plus strand). Cytogenetic location: 6q27.
Variant type: single nucleotide variant.
Coding change: c.1943A>T on transcript NM_005618.4 (MANE Select); coding-DNA position 1943, A replaced by T.
Protein change: p.Lys648Met; replaces lysine 648 with methionine.
Molecular consequence: missense variant.
Genome position (GRCh38, 1-based): chr6:170,283,336, T>A on the plus strand (A>T on the coding strand, the complement: DLL1 is on the minus strand). VCF-style: chr6-170283336-T-A. GRCh37 (hg19) VCF-style: chr6-170592424-T-A.
Other names: short protein forms K648M.
Identifiers: ClinVar variation 1964222 (VCV001964222.5), dbSNP rs1436745182, ClinGen allele CA366506225.

ClinVar aggregate classification (germline): Uncertain significance (1 of 4 stars; one submission).

gnomAD v4.1: 1 of 1,613,030 alleles (0.000062%); no homozygotes.

Submission:

Labcorp Genetics (formerly Invitae), Labcorp
Classification: Uncertain significance. Last evaluated: 2025-06-24. Review status: criteria provided, single submitter. Criteria: Invitae Variant Classification Sherloc (09022015). Collection method: clinical testing. Allele origin: germline.
Comment: This sequence change replaces lysine, which is basic and polar, with methionine, which is neutral and non-polar, at codon 648 of the DLL1 protein (p.Lys648Met). This variant is present in population databases (no rsID available, gnomAD 0.0009%). This variant has not been reported in the literature in individuals affected with DLL1-related conditions. ClinVar contains an entry for this variant (Variation ID: 1964222). An algorithm developed to predict the effect of missense changes on protein structure and function (PolyPhen-2) suggests that this variant is likely to be disruptive. In summary, the available evidence is currently insufficient to determine the role of this variant in disease. Therefore, it has been classified as a Variant of Uncertain Significance.